The following is an entry in ClinVar:

NM_000088.4(COL1A1):c.4080C>T (p.Thr1360=)

Gene: COL1A1 (collagen type I alpha 1 chain; minus strand). Cytogenetic location: 17q21.33.
Variant type: single nucleotide variant.
Coding change: c.4080C>T on transcript NM_000088.4 (MANE Select); coding-DNA position 4080, C replaced by T.
Protein change: p.Thr1360=; no amino-acid change (threonine 1360 retained).
Molecular consequence: synonymous variant.
Genome position (GRCh38, 1-based): chr17:50,185,946, G>A on the plus strand (C>T on the coding strand, the complement: COL1A1 is on the minus strand). VCF-style: chr17-50185946-G-A. GRCh37 (hg19) VCF-style: chr17-48263307-G-A.
Identifiers: ClinVar variation 509826 (VCV000509826.12), dbSNP rs753536372, ClinGen allele CA8644259.
Genomic context (GRCh38, chr17:50,185,946, plus strand): 5'-CTGCTGGTCCATGTAGGCCACGCTGTTCTTGCAGTGGTAGGTGATGTTCTGGGAGGCCTC[G>A]GTGGACATCAGGCGCAGGAAGGTCAGCTGGATGGCCACATCGGCAGGGTCGGAGCCCTGG-3'
Protein context (NP_000079.2, residues 1350-1370): IQLTFLRLMS[Thr1360=]EASQNITYHC

ClinVar aggregate classification (germline): Likely benign. Review status: criteria provided, multiple submitters, no conflicts (2 of 4 stars). 4 submissions from 4 submitters: Likely benign (3). 1 of the submissions does not count toward it. Last evaluated 2025-05-26.

Conditions:
Osteogenesis imperfecta type I (OI1). Also called: OSTEOGENESIS IMPERFECTA WITH BLUE SCLERAE; Osteogenesis imperfecta type 1; Lobstein's Disease; OI, TYPE I; OSTEOGENESIS IMPERFECTA TARDA; Classic Non-deforming Osteogenesis Imperfecta with Blue Sclerae. Identifiers: Orphanet 216796, Orphanet 666, MedGen C0023931, MONDO:0008146, OMIM 166200. Disease mechanism: loss of function.
COL1A1-related disorder. Also called: COL1A1- related disease; COL1A1-related condition.
Cardiovascular phenotype. Identifiers: MedGen CN230736.

Allele frequency attached by ClinVar (database versions not stated): gnomAD exomes below 0.00001 and 0.00001; ExAC 0.00001; gnomAD 0.00003.
gnomAD v4.1: 13 of 1,613,920 alleles (0.00081%); highest among the groups gnomAD compares: South Asian, 0.0011%; no homozygotes.

Submissions (4):

Labcorp Genetics (formerly Invitae), Labcorp
Classification: Likely benign for Osteogenesis imperfecta type I. Last evaluated: 2025-05-26. Review status: criteria provided, single submitter. Criteria: Invitae Variant Classification Sherloc (09022015). Collection method: clinical testing. Allele origin: germline.

Ambry Genetics
Classification: Likely benign for Cardiovascular phenotype. Last evaluated: 2025-02-04. Review status: criteria provided, single submitter. Criteria: Ambry Variant Classification Scheme 2023. Collection method: clinical testing. Allele origin: germline.

GeneDx
Classification: Likely benign. Last evaluated: 2017-05-26. Review status: criteria provided, single submitter. Criteria: GeneDx Variant Classification (06012015). Collection method: clinical testing. Allele origin: germline. Affected: yes.
Comment: This variant is considered likely benign or benign based on one or more of the following criteria: it is a conservative change, it occurs at a poorly conserved position in the protein, it is predicted to be benign by multiple in silico algorithms, and/or has population frequency not consistent with disease.

PreventionGenetics, part of Exact Sciences
Classification: Likely benign for COL1A1-related condition. Last evaluated: 2023-07-12. Review status: no assertion criteria provided. Collection method: clinical testing. Allele origin: germline. Not counted in ClinVar's aggregate classification.
Comment: This variant is classified as likely benign based on ACMG/AMP sequence variant interpretation guidelines (Richards et al. 2015 PMID: 25741868, with internal and published modifications).